The following is an entry in ClinVar:

ClinVar aggregate classification (germline): Likely benign. Review status: criteria provided, multiple submitters, no conflicts (2 of 4 stars). 4 submissions from 4 submitters: Likely benign (3). 1 of the submissions does not count toward it. Last evaluated 2026-01-26.

Conditions:
Nephronophthisis 15 (NPHP15). Identifiers: Orphanet 3156, MedGen C3541853, MONDO:0013917, OMIM 614845.
CEP164-related disorder. Also called: CEP164-related condition.

Allele frequency attached by ClinVar (database versions not stated): gnomAD exomes 0.00010 and 0.00020; ExAC 0.00024; ESP Exome Variant Server 0.00069; gnomAD 0.00070 and 0.00080; TOPMed 0.00080.
gnomAD v4.1: 265 of 1,613,920 alleles (0.016%); highest among the groups gnomAD compares: African/African-American, 0.26%; 1 homozygote.

Submissions (4):

Labcorp Genetics (formerly Invitae), Labcorp
Classification: Likely benign for Nephronophthisis 15. Last evaluated: 2026-01-26. Review status: criteria provided, single submitter. Criteria: Invitae Variant Classification Sherloc (09022015). Collection method: clinical testing. Allele origin: germline.

Women's Health and Genetics/Laboratory Corporation of America, LabCorp
Classification: Likely benign. Last evaluated: 2025-05-06. Review status: criteria provided, single submitter. Criteria: LabCorp Variant Classification Summary - May 2015. Collection method: clinical testing. Allele origin: germline.
Comment: Variant summary: CEP164 c.3806G>A (p.Arg1269Gln) results in a conservative amino acid change in the encoded protein sequence. Algorithms developed to predict the effect of missense changes on protein structure and function all suggest that this variant is likely to be tolerated. The variant allele was found at a frequency of 0.0002 in 251226 control chromosomes, predominantly at a frequency of 0.0025 within the African or African-American subpopulation in the gnomAD database. The observed variant frequency within African or African-American control individuals in the gnomAD database exceeds the estimated maximal expected allele frequency for a pathogenic variant in CEP164 causing Nephronophthisis 15 phenotype. To our knowledge, no occurrence of c.3806G>A in individuals affected with Nephronophthisis 15 and no experimental evidence demonstrating its impact on protein function have been reported. ClinVar contains an entry for this variant (Variation ID: 473085). Based on the evidence outlined above, the variant was classified as likely benign.

Blueprint Genetics
Classification: Likely benign. Last evaluated: 2024-11-11. Review status: criteria provided, single submitter. Criteria: ACMG Guidelines, 2015. Collection method: clinical testing. Allele origin: germline.

PreventionGenetics, part of Exact Sciences
Classification: Likely benign for CEP164-related condition. Last evaluated: 2023-07-01. Review status: no assertion criteria provided. Collection method: clinical testing. Allele origin: germline. Not counted in ClinVar's aggregate classification.
Comment: This variant is classified as likely benign based on ACMG/AMP sequence variant interpretation guidelines (Richards et al. 2015 PMID: 25741868, with internal and published modifications).

NM_014956.5(CEP164):c.3806G>A (p.Arg1269Gln)

Gene: CEP164 (centrosomal protein 164; plus strand). Cytogenetic location: 11q23.3.
Variant type: single nucleotide variant.
Coding change: c.3806G>A on transcript NM_014956.5 (MANE Select); coding-DNA position 3806, G replaced by A.
Protein change: p.Arg1269Gln; replaces arginine 1269 with glutamine.
Molecular consequence: missense variant.
Genome position (GRCh38, 1-based): chr11:117,409,675, G>A. VCF-style: chr11-117409675-G-A. GRCh37 (hg19) VCF-style: chr11-117280391-G-A.
Other names: c.3791G>A, p.Arg1264Gln (NM_001271933.2); short protein forms R1269Q, R1264Q.
Identifiers: ClinVar variation 473085 (VCV000473085.15), dbSNP rs150963269, ClinGen allele CA6295589.